The following is an entry in ClinVar:

NM_001042492.3(NF1):c.2224G>T (p.Ala742Ser)

Gene: NF1 (neurofibromin 1; plus strand). Cytogenetic location: 17q11.2.
Variant type: single nucleotide variant.
Coding change: c.2224G>T on transcript NM_001042492.3 (MANE Select); coding-DNA position 2224, G replaced by T.
Protein change: p.Ala742Ser; replaces alanine 742 with serine.
Molecular consequence: missense variant.
Genome position (GRCh38, 1-based): chr17:31,226,657, G>T. VCF-style: chr17-31226657-G-T. GRCh37 (hg19) VCF-style: chr17-29553675-G-T.
Other names: c.2224G>T, p.Ala742Ser (NM_000267.4); short protein forms A742S.
Identifiers: ClinVar variation 141637 (VCV000141637.22), dbSNP rs587781896, ClinGen allele CA165997.

ClinVar aggregate classification (germline): Likely benign. Review status: criteria provided, multiple submitters, no conflicts (2 of 4 stars). 8 submissions from 7 submitters: Likely benign (7). 1 of the submissions does not count toward it. Last evaluated 2026-01-25.

Conditions:
NF1-related disorder. Also called: NF1-related condition. Identifiers: MedGen CN379171.
Hereditary cancer-predisposing syndrome. Also called: Neoplastic Syndromes, Hereditary; Hereditary Cancer Syndrome; Hereditary neoplastic syndrome; Tumor predisposition. Identifiers: Orphanet 140162, MedGen C0027672, MeSH D009386, MONDO:0015356.
Cardiovascular phenotype. Identifiers: MedGen CN230736.
Neurofibromatosis, type 1 (NF1). Also called: VON RECKLINGHAUSEN DISEASE; Neurofibromatosis, type I; NEUROFIBROMATOSIS, TYPE I, SOMATIC; Peripheral type neurofibromatosis. Identifiers: Orphanet 636, MedGen C0027831, MONDO:0018975, OMIM 162200. Disease mechanism: loss of function.

Allele frequency attached by ClinVar (database versions not stated): gnomAD 0.00002; TOPMed 0.00006; gnomAD exomes 0.00010 and 0.00024; ExAC 0.00016.
gnomAD v4.1: 61 of 1,613,704 alleles (0.0038%); highest among the groups gnomAD compares: Admixed American, 0.1%; no homozygotes.

Submissions (8):

Labcorp Genetics (formerly Invitae), Labcorp
Classification: Likely benign for Neurofibromatosis, type 1. Last evaluated: 2026-01-25. Review status: criteria provided, single submitter. Criteria: Invitae Variant Classification Sherloc (09022015). Collection method: clinical testing. Allele origin: germline.

Women's Health and Genetics/Laboratory Corporation of America, LabCorp
Classification: Likely benign. Last evaluated: 2022-09-04. Review status: criteria provided, single submitter. Criteria: LabCorp Variant Classification Summary - May 2015. Collection method: clinical testing. Allele origin: germline.

Genome-Nilou Lab
Classification: Likely benign for Neurofibromatosis, type 1. Last evaluated: 2022-03-15. Review status: criteria provided, single submitter. Criteria: ACMG Guidelines, 2015. Collection method: clinical testing. Allele origin: germline. Affected: no.

Sema4
Classification: Likely benign for Hereditary cancer-predisposing syndrome. Last evaluated: 2021-09-25. Review status: criteria provided, single submitter. Criteria: Sema4 Curation Guidelines. Collection method: curation. Allele origin: germline.

GeneDx
Classification: Likely benign. Last evaluated: 2019-10-30. Review status: criteria provided, single submitter. Criteria: GeneDx Variant Classification Process June 2021. Collection method: clinical testing. Allele origin: germline. Affected: yes.

Ambry Genetics
Classification: Likely benign for Cardiovascular phenotype; Hereditary cancer-predisposing syndrome. Last evaluated: 2018-11-17. Review status: criteria provided, single submitter. Criteria: Ambry Variant Classification Scheme 2023. Collection method: clinical testing. Allele origin: germline.

Ambry Genetics
Classification: Likely benign for Hereditary cancer-predisposing syndrome. Last evaluated: 2016-03-07. Review status: criteria provided, single submitter. Criteria: Ambry Autosomal Dominant and X-Linked criteria (10/2015). Collection method: clinical testing. Allele origin: germline. Observed: 1 variant allele.
Comment: Insufficient or conflicting evidence

PreventionGenetics, part of Exact Sciences
Classification: Likely benign for NF1-related condition. Last evaluated: 2022-02-22. Review status: no assertion criteria provided. Collection method: clinical testing. Allele origin: germline. Not counted in ClinVar's aggregate classification.
Comment: This variant is classified as likely benign based on ACMG/AMP sequence variant interpretation guidelines (Richards et al. 2015 PMID: 25741868, with internal and published modifications).

Literature cited by the submitters: PubMed 10678181 (cited by Women's Health and Genetics/Laboratory Corporation of America, LabCorp); PubMed 23460398 (cited by Women's Health and Genetics/Laboratory Corporation of America, LabCorp); PubMed 27069254 (cited by Women's Health and Genetics/Laboratory Corporation of America, LabCorp).